The following is an entry in ClinVar:

NM_003334.4(UBA1):c.1163A>G (p.Tyr388Cys)

Gene: UBA1 (ubiquitin like modifier activating enzyme 1; plus strand). Cytogenetic location: Xp11.3.
Variant type: single nucleotide variant.
Coding change: c.1163A>G on transcript NM_003334.4 (MANE Select); coding-DNA position 1163, A replaced by G.
Protein change: p.Tyr388Cys; replaces tyrosine 388 with cysteine.
Molecular consequence: missense variant.
Genome position (GRCh38, 1-based): chrX:47,202,744, A>G. VCF-style: chrX-47202744-A-G. GRCh37 (hg19) VCF-style: chrX-47062143-A-G.
Other names: c.1163A>G, p.Tyr388Cys (NM_153280.3); short protein forms Y388C.
Identifiers: ClinVar variation 2728029 (VCV002728029.3), dbSNP rs961461636, ClinGen allele CA329035080.

ClinVar aggregate classification (germline): Uncertain significance (1 of 4 stars; one submission).

Conditions:
Infantile-onset X-linked spinal muscular atrophy. Also called: Spinal Muscular Atrophy, X-Linked Infantile; Spinal muscular atrophy, X-linked 2; AMC, DISTAL, X-LINKED; ARTHROGRYPOSIS, X-LINKED, TYPE I; SPINAL MUSCULAR ATROPHY, X-LINKED LETHAL INFANTILE. Identifiers: Orphanet 1145, MedGen C1844934, MONDO:0010532, OMIM 301830.

Allele frequency attached by ClinVar (database versions not stated): gnomAD exomes below 0.00001; TOPMed 0.00002.
gnomAD v4.1: 3 of 1,210,810 alleles (0.00025%); highest among the groups gnomAD compares: African/African-American, 0.0052%; no homozygotes.

Submission:

Labcorp Genetics (formerly Invitae), Labcorp
Classification: Uncertain significance for Infantile-onset X-linked spinal muscular atrophy. Last evaluated: 2024-09-29. Review status: criteria provided, single submitter. Criteria: Invitae Variant Classification Sherloc (09022015). Collection method: clinical testing. Allele origin: germline.
Comment: This sequence change replaces tyrosine, which is neutral and polar, with cysteine, which is neutral and slightly polar, at codon 388 of the UBA1 protein (p.Tyr388Cys). This variant is present in population databases (no rsID available, gnomAD 0.02%). This variant has not been reported in the literature in individuals affected with UBA1-related conditions. An algorithm developed to predict the effect of missense changes on protein structure and function (PolyPhen-2) suggests that this variant is likely to be tolerated. In summary, the available evidence is currently insufficient to determine the role of this variant in disease. Therefore, it has been classified as a Variant of Uncertain Significance.